The following is an entry in ClinVar:

ClinVar aggregate classification (germline): Uncertain significance (1 of 4 stars; one submission).

Submission:

GeneDx
Classification: Uncertain significance. Last evaluated: 2024-07-11. Review status: criteria provided, single submitter. Criteria: GeneDx Variant Classification Process June 2021. Collection method: clinical testing. Allele origin: germline.
Comment: Not observed at significant frequency in large population cohorts (gnomAD); In silico analysis indicates that this missense variant does not alter protein structure/function; Has not been previously published as pathogenic or benign to our knowledge

NM_001378120.1(MBD5):c.523T>C (p.Ser175Pro)

Gene: MBD5 (methyl-CpG binding domain protein 5; plus strand). Cytogenetic location: 2q23.1.
Variant type: single nucleotide variant.
Coding change: c.523T>C on transcript NM_001378120.1 (MANE Select); coding-DNA position 523, T replaced by C.
Protein change: p.Ser175Pro; replaces serine 175 with proline.
Molecular consequence: missense variant.
Genome position (GRCh38, 1-based): chr2:148,468,466, T>C. VCF-style: chr2-148468466-T-C. GRCh37 (hg19) VCF-style: chr2-149226035-T-C.
Other names: c.523T>C, p.Ser175Pro (NM_018328.5); short protein forms S175P.
Identifiers: ClinVar variation 2502590 (VCV002502590.2), dbSNP rs1252587550, ClinGen allele CA348716980.